The following is an entry in ClinVar:

ClinVar aggregate classification (germline): Uncertain significance (1 of 4 stars; one submission).

Conditions:
Developmental and epileptic encephalopathy 94 (DEE94). Also called: Epileptic encephalopathy, childhood-onset; CHD2-Related Neurodevelopmental Disorders. Identifiers: Orphanet 1942, Orphanet 2382, MedGen C3809278, MONDO:0014150, OMIM 615369.

Submission:

Baylor Genetics
Classification: Uncertain significance for Developmental and epileptic encephalopathy 94. Last evaluated: 2020-02-13. Review status: criteria provided, single submitter. Criteria: ACMG Guidelines, 2015. Collection method: clinical testing. Allele origin: unknown. Affected: yes.
Comment: This variant was determined to be of uncertain significance according to ACMG Guidelines, 2015 [PMID:25741868].

NM_001271.4(CHD2):c.3284C>G (p.Ala1095Gly)

Gene: CHD2 (chromodomain helicase DNA binding protein 2; plus strand). Cytogenetic location: 15q26.1.
Variant type: single nucleotide variant.
Coding change: c.3284C>G on transcript NM_001271.4 (MANE Select); coding-DNA position 3284, C replaced by G.
Protein change: p.Ala1095Gly; replaces alanine 1095 with glycine.
Molecular consequence: missense variant.
Genome position (GRCh38, 1-based): chr15:92,985,544, C>G. VCF-style: chr15-92985544-C-G. GRCh37 (hg19) VCF-style: chr15-93528774-C-G.
Other names: short protein forms A1095G.
Identifiers: ClinVar variation 1029268 (VCV001029268.1), dbSNP rs2054031451, ClinGen allele CA393895580.